The following is an entry in ClinVar:

ClinVar aggregate classification (germline): Uncertain significance. Review status: criteria provided, multiple submitters, no conflicts (2 of 4 stars). 3 submissions from 3 submitters: Uncertain significance (3). Last evaluated 2024-05-02.

Allele frequency attached by ClinVar (database versions not stated): ExAC 0.00002; gnomAD 0.00005 and 0.00006; TOPMed 0.00005.
gnomAD v4.1: 9 of 1,614,046 alleles (0.00056%); highest among the groups gnomAD compares: African/African-American, 0.012%; no homozygotes.

Submissions (3):

Labcorp Genetics (formerly Invitae), Labcorp
Classification: Uncertain significance. Last evaluated: 2024-05-02. Review status: criteria provided, single submitter. Criteria: Invitae Variant Classification Sherloc (09022015). Collection method: clinical testing. Allele origin: germline.
Comment: This sequence change replaces lysine, which is basic and polar, with asparagine, which is neutral and polar, at codon 232 of the CA4 protein (p.Lys232Asn). This variant is present in population databases (rs761553374, gnomAD 0.02%). This variant has not been reported in the literature in individuals affected with CA4-related conditions. ClinVar contains an entry for this variant (Variation ID: 1022568). Advanced modeling of protein sequence and biophysical properties (such as structural, functional, and spatial information, amino acid conservation, physicochemical variation, residue mobility, and thermodynamic stability) performed at Invitae indicates that this missense variant is not expected to disrupt CA4 protein function with a negative predictive value of 80%. In summary, the available evidence is currently insufficient to determine the role of this variant in disease. Therefore, it has been classified as a Variant of Uncertain Significance.

Ambry Genetics
Classification: Uncertain significance. Last evaluated: 2023-03-02. Review status: criteria provided, single submitter. Criteria: Ambry Variant Classification Scheme 2023. Collection method: clinical testing. Allele origin: germline.

Blueprint Genetics
Classification: Uncertain significance. Last evaluated: 2021-10-06. Review status: criteria provided, single submitter. Criteria: ACMG Guidelines, 2015. Collection method: clinical testing. Allele origin: germline.

NM_000717.5(CA4):c.696G>C (p.Lys232Asn)

Gene: CA4 (carbonic anhydrase 4; plus strand). Cytogenetic location: 17q23.1.
Variant type: single nucleotide variant.
Coding change: c.696G>C on transcript NM_000717.5 (MANE Select); coding-DNA position 696, G replaced by C.
Protein change: p.Lys232Asn; replaces lysine 232 with asparagine.
Molecular consequence: missense variant. On other transcripts: non-coding transcript variant (1).
Genome position (GRCh38, 1-based): chr17:60,158,398, G>C. VCF-style: chr17-60158398-G-C. GRCh37 (hg19) VCF-style: chr17-58235759-G-C.
Other names: c.696G>C (NM_000717.3); short protein forms K232N.
Identifiers: ClinVar variation 1022568 (VCV001022568.11), dbSNP rs761553374, ClinGen allele CA8685485.
Genomic context (GRCh38, chr17:60,158,398, plus strand): 5'-GAAACTGAGGCACTACTTCCGCTACCTGGGCTCACTCACCACACCGACCTGCGATGAGAA[G>C]GTCGTCTGGACTGTGTTCCGGGAGCCCATTCAGCTTCACAGAGAACAGGTGCACAGGGCC-3'
Protein context (NP_000708.1, residues 222-242): GSLTTPTCDE[Lys232Asn]VVWTVFREPI